The following is an entry in ClinVar:

NM_020975.6(RET):c.922G>A (p.Gly308Arg)

Gene: RET (ret proto-oncogene; plus strand). Cytogenetic location: 10q11.21.
Variant type: single nucleotide variant.
Coding change: c.922G>A on transcript NM_020975.6 (MANE Select); coding-DNA position 922, G replaced by A.
Protein change: p.Gly308Arg; replaces glycine 308 with arginine.
Molecular consequence: missense variant.
Genome position (GRCh38, 1-based): chr10:43,106,430, G>A. VCF-style: chr10-43106430-G-A. GRCh37 (hg19) VCF-style: chr10-43601878-G-A.
Other names: c.922G>A, p.Gly308Arg (NM_000323.2, NM_001406743.1, NM_001406744.1 and 6 more transcripts); c.160G>A, p.Gly54Arg (NM_001355216.2); c.793G>A, p.Gly265Arg (NM_001406761.1, NM_001406762.1, NM_001406764.1 and 1 more transcripts); c.634G>A, p.Gly212Arg (NM_001406766.1, NM_001406767.1, NM_001406770.1); short protein forms G308R, G54R, G212R, G265R.
Identifiers: ClinVar variation 405557 (VCV000405557.12), dbSNP rs1060500763, ClinGen allele CA16613068.

ClinVar aggregate classification (germline): Uncertain significance. Review status: criteria provided, multiple submitters, no conflicts (2 of 4 stars). 3 submissions from 3 submitters: Uncertain significance (3). Last evaluated 2025-05-17.

Conditions:
Multiple endocrine neoplasia, type 2 (MEN2). Identifiers: Orphanet 653, MedGen C4048306, MONDO:0019003. Disease mechanism: gain of function.
Hereditary cancer-predisposing syndrome. Also called: Hereditary Cancer Syndrome; Hereditary neoplastic syndrome; Neoplastic Syndromes, Hereditary; Tumor predisposition. Identifiers: Orphanet 140162, MedGen C0027672, MeSH D009386, MONDO:0015356.

Allele frequency attached by ClinVar (database versions not stated): gnomAD exomes below 0.00001.
gnomAD v4.1: 1 of 1,613,506 alleles (0.000062%); highest among the groups gnomAD compares: African/African-American, 0.0013%; no homozygotes.

Submissions (3):

Labcorp Genetics (formerly Invitae), Labcorp
Classification: Uncertain significance for Multiple endocrine neoplasia, type 2. Last evaluated: 2025-05-17. Review status: criteria provided, single submitter. Criteria: Invitae Variant Classification Sherloc (09022015). Collection method: clinical testing. Allele origin: germline.
Comment: This sequence change replaces glycine, which is neutral and non-polar, with arginine, which is basic and polar, at codon 308 of the RET protein (p.Gly308Arg). This variant is not present in population databases (gnomAD no frequency). This variant has not been reported in the literature in individuals affected with RET-related conditions. ClinVar contains an entry for this variant (Variation ID: 405557). An algorithm developed to predict the effect of missense changes on protein structure and function (PolyPhen-2) suggests that this variant is likely to be tolerated. In summary, the available evidence is currently insufficient to determine the role of this variant in disease. Therefore, it has been classified as a Variant of Uncertain Significance.

Ambry Genetics
Classification: Uncertain significance for Hereditary cancer-predisposing syndrome. Last evaluated: 2024-02-28. Review status: criteria provided, single submitter. Criteria: Ambry Variant Classification Scheme 2023. Collection method: clinical testing. Allele origin: germline.
Comment: The p.G308R variant (also known as c.922G>A), located in coding exon 5 of the RET gene, results from a G to A substitution at nucleotide position 922. The glycine at codon 308 is replaced by arginine, an amino acid with dissimilar properties. This amino acid position is well conserved in available vertebrate species. In addition, this alteration is predicted to be tolerated by in silico analysis. Based on the available evidence, the clinical significance of this alteration remains unclear.

All of Us Research Program, National Institutes of Health
Classification: Uncertain significance for Multiple endocrine neoplasia, type 2. Last evaluated: 2023-12-13. Review status: criteria provided, single submitter. Criteria: ACMG Guidelines, 2015. Collection method: clinical testing. Allele origin: germline. Inheritance: Autosomal dominant inheritance. Observed: 1 variant allele, 1 heterozygote.
Comment: This missense variant replaces glycine with arginine at codon 308 of the RET protein. Computational prediction suggests that this variant may not impact protein structure and function (internally defined REVEL score threshold <= 0.5, PMID: 27666373). To our knowledge, functional studies have not been reported for this variant. This variant has not been reported in individuals affected with RET-related disorders in the literature. This variant has not been identified in the general population by the Genome Aggregation Database (gnomAD). The available evidence is insufficient to determine the role of this variant in disease conclusively. Therefore, this variant is classified as a Variant of Uncertain Significance.

This study involves interpretation of variants in research participants for the purpose of population health screening. Participant phenotype was not available at the time of variant classification. Additional details can be found in publication PMID: 35346344, PMCID: PMC8962531